The following is an entry in ClinVar:

NM_001127208.3(TET2):c.2485A>C (p.Lys829Gln)

Genes: TET2 (tet methylcytosine dioxygenase 2; plus strand), TET2-AS1 (TET2 antisense RNA 1; minus strand). Cytogenetic location: 4q24.
Variant type: single nucleotide variant.
Coding change: c.2485A>C on transcript NM_001127208.3 (MANE Select); coding-DNA position 2485, A replaced by C.
Protein change: p.Lys829Gln; replaces lysine 829 with glutamine.
Molecular consequence: missense variant.
Genome position (GRCh38, 1-based): chr4:105,236,427, A>C. VCF-style: chr4-105236427-A-C. GRCh37 (hg19) VCF-style: chr4-106157584-A-C.
Other names: c.2485A>C, p.Lys829Gln (NM_017628.4); short protein forms K829Q.
Identifiers: ClinVar variation 3967580 (VCV003967580.1).

ClinVar aggregate classification (germline): Uncertain significance (1 of 4 stars; one submission).

gnomAD v4.1: 2 of 1,614,118 alleles (0.00012%); highest among the groups gnomAD compares: Non-Finnish European, 0.00017%; no homozygotes.

Submission:

Ambry Genetics
Classification: Uncertain significance. Last evaluated: 2025-04-21. Review status: criteria provided, single submitter. Criteria: Ambry Variant Classification Scheme 2023. Collection method: clinical testing. Allele origin: germline.
Comment: The p.K829Q variant (also known as c.2485A>C), located in coding exon 1 of the TET2 gene, results from an A to C substitution at nucleotide position 2485. The lysine at codon 829 is replaced by glutamine, an amino acid with similar properties. This amino acid position is conserved. In addition, this alteration is predicted to be tolerated by in silico analysis. Based on the available evidence, the clinical significance of this variant remains unclear.